The following is an entry in ClinVar:

NM_004655.4(AXIN2):c.1983T>C (p.His661=)

Gene: AXIN2 (axin 2; minus strand). Cytogenetic location: 17q24.1.
Variant type: single nucleotide variant.
Coding change: c.1983T>C on transcript NM_004655.4 (MANE Select); coding-DNA position 1983, T replaced by C.
Protein change: p.His661=; no amino-acid change (histidine 661 retained).
Molecular consequence: synonymous variant.
Genome position (GRCh38, 1-based): chr17:65,536,478, A>G on the plus strand (T>C on the coding strand, the complement: AXIN2 is on the minus strand). VCF-style: chr17-65536478-A-G. GRCh37 (hg19) VCF-style: chr17-63532596-A-G.
Other names: c.1788T>C, p.His596= (NM_001363813.1); c.1983T>C (LRG_296t1).
Identifiers: ClinVar variation 464587 (VCV000464587.20), dbSNP rs199724028, ClinGen allele CA293097828.

ClinVar aggregate classification (germline): Benign/Likely benign. Review status: criteria provided, multiple submitters, no conflicts (2 of 4 stars). 5 submissions from 5 submitters: Benign (1); Likely benign (4). Last evaluated 2026-01-13.

Conditions:
Hereditary cancer-predisposing syndrome. Also called: Neoplastic Syndromes, Hereditary; Tumor predisposition; Hereditary Cancer Syndrome; Hereditary neoplastic syndrome. Identifiers: Orphanet 140162, MedGen C0027672, MeSH D009386, MONDO:0015356.
Oligodontia-cancer predisposition syndrome. Also called: TOOTH AGENESIS-COLORECTAL CANCER SYNDROME. Identifiers: Orphanet 300576, MedGen C1837750, MONDO:0012075, OMIM 608615. Disease mechanism: loss of function.

Allele frequency attached by ClinVar (database versions not stated): gnomAD exomes below 0.00001; gnomAD 0.00001; TOPMed 0.00001; 1000 Genomes Project 30x 0.00016; 1000 Genomes Project 0.00020.
gnomAD v4.1: 5 of 1,613,876 alleles (0.00031%); highest among the groups gnomAD compares: East Asian, 0.0089%; no homozygotes.

Submissions (5):

Labcorp Genetics (formerly Invitae), Labcorp
Classification: Likely benign for Oligodontia-cancer predisposition syndrome. Last evaluated: 2026-01-13. Review status: criteria provided, single submitter. Criteria: Invitae Variant Classification Sherloc (09022015). Collection method: clinical testing. Allele origin: germline.

Quest Diagnostics Nichols Institute San Juan Capistrano
Classification: Likely benign. Last evaluated: 2025-10-22. Review status: criteria provided, single submitter. Criteria: Quest Diagnostics criteria. Collection method: clinical testing. Allele origin: unknown.

Center for Genomic Medicine, Rigshospitalet, Copenhagen University Hospital
Classification: Likely benign. Last evaluated: 2025-03-04. Review status: criteria provided, single submitter. Criteria: ACMG Guidelines, 2015. Collection method: clinical testing. Allele origin: germline.

Myriad Genetics, Inc.
Classification: Benign for Oligodontia-cancer predisposition syndrome. Last evaluated: 2024-07-09. Review status: criteria provided, single submitter. Criteria: Myriad Autosomal Dominant, Autosomal Recessive and X-Linked Classification Criteria (2023). Collection method: clinical testing. Allele origin: unknown.
Comment: This variant is considered benign. This variant is a silent/synonymous amino acid change and it is not expected to impact splicing.

Ambry Genetics
Classification: Likely benign for Hereditary cancer-predisposing syndrome. Last evaluated: 2019-09-05. Review status: criteria provided, single submitter. Criteria: Ambry Variant Classification Scheme 2023. Collection method: clinical testing. Allele origin: germline.